The following is an entry in ClinVar:

ClinVar aggregate classification (germline): Uncertain significance. Review status: criteria provided, multiple submitters, no conflicts (2 of 4 stars). 2 submissions from 2 submitters: Uncertain significance (2). Last evaluated 2025-05-19.

Conditions:
Inborn genetic diseases. Identifiers: MedGen C0950123, MeSH D030342.

Allele frequency attached by ClinVar (database versions not stated): gnomAD exomes below 0.00001; TOPMed below 0.00001.

Submissions (2):

Ambry Genetics
Classification: Uncertain significance for Inborn genetic diseases. Last evaluated: 2025-05-19. Review status: criteria provided, single submitter. Criteria: Ambry Variant Classification Scheme 2023. Collection method: clinical testing. Allele origin: germline.
Comment: The p.G1199R variant (also known as c.3595G>A), located in coding exon 1 of the SAMD9 gene, results from a G to A substitution at nucleotide position 3595. The glycine at codon 1199 is replaced by arginine, an amino acid with dissimilar properties. This amino acid position is conserved. In addition, the in silico prediction for this alteration is inconclusive. Based on the available evidence, the clinical significance of this variant remains unclear.

Labcorp Genetics (formerly Invitae), Labcorp
Classification: Uncertain significance. Last evaluated: 2024-01-04. Review status: criteria provided, single submitter. Criteria: Invitae Variant Classification Sherloc (09022015). Collection method: clinical testing. Allele origin: germline.
Comment: This sequence change replaces glycine, which is neutral and non-polar, with arginine, which is basic and polar, at codon 1199 of the SAMD9 protein (p.Gly1199Arg). This variant is present in population databases (no rsID available, gnomAD 0.003%). This variant has not been reported in the literature in individuals affected with SAMD9-related conditions. Advanced modeling of protein sequence and biophysical properties (such as structural, functional, and spatial information, amino acid conservation, physicochemical variation, residue mobility, and thermodynamic stability) has been performed at Invitae for this missense variant, however the output from this modeling did not meet the statistical confidence thresholds required to predict the impact of this variant on SAMD9 protein function. In summary, the available evidence is currently insufficient to determine the role of this variant in disease. Therefore, it has been classified as a Variant of Uncertain Significance.

NM_017654.4(SAMD9):c.3595G>A (p.Gly1199Arg)

Gene: SAMD9 (sterile alpha motif domain containing 9; minus strand). Cytogenetic location: 7q21.2.
Variant type: single nucleotide variant.
Coding change: c.3595G>A on transcript NM_017654.4 (MANE Select); coding-DNA position 3595, G replaced by A.
Protein change: p.Gly1199Arg; replaces glycine 1199 with arginine.
Molecular consequence: missense variant.
Genome position (GRCh38, 1-based): chr7:93,102,503, C>T on the plus strand (G>A on the coding strand, the complement: SAMD9 is on the minus strand). VCF-style: chr7-93102503-C-T. GRCh37 (hg19) VCF-style: chr7-92731816-C-T.
Other names: c.3595G>A (NM_017654.3); c.3595G>A, p.Gly1199Arg (NM_001193307.2); short protein forms G1199R.
Identifiers: ClinVar variation 2807166 (VCV002807166.4), dbSNP rs891030635, ClinGen allele CA161990283.